The following is an entry in ClinVar:

NM_006079.5(CITED2):c.265C>G (p.Pro89Ala)

Gene: CITED2 (Cbp/p300 interacting transactivator with Glu/Asp rich carboxy-terminal domain 2; minus strand). Cytogenetic location: 6q24.1.
Variant type: single nucleotide variant.
Coding change: c.265C>G on transcript NM_006079.5 (MANE Select); coding-DNA position 265, C replaced by G.
Protein change: p.Pro89Ala; replaces proline 89 with alanine.
Molecular consequence: missense variant.
Genome position (GRCh38, 1-based): chr6:139,373,680, G>C on the plus strand (C>G on the coding strand, the complement: CITED2 is on the minus strand). VCF-style: chr6-139373680-G-C. GRCh37 (hg19) VCF-style: chr6-139694817-G-C.
Other names: c.265C>G, p.Pro89Ala (NM_001168388.3); c.280C>G, p.Pro94Ala (NM_001168389.3); c.280C>G (NM_001168389.2); short protein forms P89A, P94A.
Identifiers: ClinVar variation 3145169 (VCV003145169.2), dbSNP rs1184341654, ClinGen allele CA365877609.

ClinVar aggregate classification (germline): Uncertain significance. Review status: criteria provided, single submitter (1 of 4 stars). 2 submissions from 2 submitters: Uncertain significance (1). 1 of the submissions does not count toward it. Last evaluated 2023-10-27.

Conditions:
Inborn genetic diseases. Identifiers: MedGen C0950123, MeSH D030342.
CITED2-related disorder. Also called: CITED2-related condition.

Allele frequency attached by ClinVar (database versions not stated): gnomAD exomes below 0.00001; TOPMed below 0.00001.
gnomAD v4.1: 1 of 1,611,844 alleles (0.000062%); highest among the groups gnomAD compares: African/African-American, 0.0013%; no homozygotes.

Submissions (2):

Ambry Genetics
Classification: Uncertain significance for Inborn genetic diseases. Last evaluated: 2023-10-27. Review status: criteria provided, single submitter. Criteria: Ambry Variant Classification Scheme 2023. Collection method: clinical testing. Allele origin: germline.

PreventionGenetics, part of Exact Sciences
Classification: Uncertain significance for CITED2-related condition. Last evaluated: 2024-03-07. Review status: no assertion criteria provided. Collection method: clinical testing. Allele origin: germline. Not counted in ClinVar's aggregate classification.
Comment: The CITED2 c.280C>G variant is predicted to result in the amino acid substitution p.Pro94Ala. To our knowledge, this variant has not been reported in the literature. This variant is reported in 0.0065% of alleles in individuals of African descent in gnomAD. At this time, the clinical significance of this variant is uncertain due to the absence of conclusive functional and genetic evidence.